The following is an entry in ClinVar:

NM_000069.3(CACNA1S):c.240C>G (p.Asn80Lys)

Gene: CACNA1S (calcium voltage-gated channel subunit alpha1 S; minus strand). Cytogenetic location: 1q32.1.
Variant type: single nucleotide variant.
Coding change: c.240C>G on transcript NM_000069.3 (MANE Select); coding-DNA position 240, C replaced by G.
Protein change: p.Asn80Lys; replaces asparagine 80 with lysine.
Molecular consequence: missense variant.
Genome position (GRCh38, 1-based): chr1:201,110,182, G>C on the plus strand (C>G on the coding strand, the complement: CACNA1S is on the minus strand). VCF-style: chr1-201110182-G-C. GRCh37 (hg19) VCF-style: chr1-201079310-G-C.
Other names: c.240C>G (NM_000069.2); short protein forms N80K.
Identifiers: ClinVar variation 2418680 (VCV002418680.9), dbSNP rs1663044259, ClinGen allele CA344155711.

ClinVar aggregate classification (germline): Uncertain significance. Review status: criteria provided, multiple submitters, no conflicts (2 of 4 stars). 4 submissions from 4 submitters: Uncertain significance (4). Last evaluated 2025-03-18.

Conditions:
Malignant hyperthermia, susceptibility to, 5 (MHS5). Also called: CACNA1S-Related Malignant Hyperthermia Susceptibility. Identifiers: Orphanet 423, MedGen C1866077, MONDO:0011163, OMIM 601887.
Hypokalemic periodic paralysis, type 1. Also called: HypoPP; Hypokalemic Periodic Paralysis Type 1 (AD). Identifiers: Orphanet 681, MedGen C3714580, MONDO:0042979, OMIM 170400.
Thyrotoxic periodic paralysis, susceptibility to, 1 (TTPP1). Identifiers: Orphanet 79102, MedGen C2749982, MONDO:0008570, OMIM 188580.
Congenital myopathy 18. Also called: Myopathy, congenital, due to dihydropyridine receptor defect; DIHYDROPYRIDINE RECEPTOR CONGENITAL MYOPATHY; DHPR CONGENITAL MYOPATHY. Identifiers: MedGen C5830283, MONDO:0859514, OMIM 620246.

Allele frequency attached by ClinVar (database versions not stated): gnomAD exomes below 0.00001; TOPMed below 0.00001.
gnomAD v4.1: 1 of 1,614,172 alleles (0.000062%); highest among the groups gnomAD compares: Admixed American, 0.0017%; no homozygotes.

Submissions (4):

GeneDx
Classification: Uncertain significance. Last evaluated: 2025-03-18. Review status: criteria provided, single submitter. Criteria: GeneDx Variant Classification Process June 2021. Collection method: clinical testing. Allele origin: germline. Affected: yes.
Comment: Not observed at significant frequency in large population cohorts (gnomAD); In silico analysis supports that this missense variant has a deleterious effect on protein structure/function; Has not been previously published as pathogenic or benign to our knowledge

Fulgent Genetics
Classification: Uncertain significance for Hypokalemic periodic paralysis, type 1; Thyrotoxic periodic paralysis, susceptibility to, 1; Malignant hyperthermia, susceptibility to, 5; Congenital myopathy 18. Last evaluated: 2024-04-13. Review status: criteria provided, single submitter. Criteria: ACMG Guidelines, 2015. Collection method: clinical testing. Allele origin: germline.

All of Us Research Program, National Institutes of Health
Classification: Uncertain significance for Malignant hyperthermia, susceptibility to, 5. Last evaluated: 2023-09-04. Review status: criteria provided, single submitter. Criteria: ACMG Guidelines, 2015. Collection method: clinical testing. Allele origin: germline. Inheritance: Autosomal dominant inheritance. Observed: 1 variant allele, 1 heterozygote.
Comment: This missense variant replaces asparagine with lysine at codon 80 of the CACNA1S protein. Computational prediction is inconclusive regarding the impact of this variant on protein structure and function (internally defined REVEL score threshold 0.5 < inconclusive < 0.7, PMID: 27666373). To our knowledge, functional studies have not been reported for this variant. This variant has not been reported in individuals affected with CACNA1S-related disorders in the literature. This variant has not been identified in the general population by the Genome Aggregation Database (gnomAD). The available evidence is insufficient to determine the role of this variant in disease conclusively. Therefore, this variant is classified as a Variant of Uncertain Significance.

This study involves interpretation of variants in research participants for the purpose of population health screening. Participant phenotype was not available at the time of variant classification. Additional details can be found in publication PMID: 35346344, PMCID: PMC8962531

Labcorp Genetics (formerly Invitae), Labcorp
Classification: Uncertain significance for Hypokalemic periodic paralysis, type 1; Malignant hyperthermia, susceptibility to, 5. Last evaluated: 2022-04-13. Review status: criteria provided, single submitter. Criteria: Invitae Variant Classification Sherloc (09022015). Collection method: clinical testing. Allele origin: germline.
Comment: In summary, the available evidence is currently insufficient to determine the role of this variant in disease. Therefore, it has been classified as a Variant of Uncertain Significance. Advanced modeling of protein sequence and biophysical properties (such as structural, functional, and spatial information, amino acid conservation, physicochemical variation, residue mobility, and thermodynamic stability) performed at Invitae indicates that this missense variant is not expected to disrupt CACNA1S protein function. This variant has not been reported in the literature in individuals affected with CACNA1S-related conditions. This variant is not present in population databases (gnomAD no frequency). This sequence change replaces asparagine, which is neutral and polar, with lysine, which is basic and polar, at codon 80 of the CACNA1S protein (p.Asn80Lys).